The following is an entry in ClinVar:

NM_024426.6(WT1):c.432C>T (p.Phe144=)

Genes: WT1 (WT1 transcription factor; minus strand), LOC107982234 (WT1/WT1-AS bi-directional promoter region; plus strand). Cytogenetic location: 11p13.
Variant type: single nucleotide variant.
Coding change: c.432C>T on transcript NM_024426.6 (MANE Select); coding-DNA position 432, C replaced by T.
Protein change: p.Phe144=; no amino-acid change (phenylalanine 144 retained).
Molecular consequence: synonymous variant. On other transcripts: non-coding transcript variant (1).
Genome position (GRCh38, 1-based): chr11:32,434,929, G>A on the plus strand (C>T on the coding strand, the complement: WT1 is on the minus strand). VCF-style: chr11-32434929-G-A. GRCh37 (hg19) VCF-style: chr11-32456475-G-A.
Other names: c.432C>T, p.Phe144= (NM_000378.6, NM_024424.5).
Identifiers: ClinVar variation 705924 (VCV000705924.14), dbSNP rs754173303, ClinGen allele CA064939.

ClinVar aggregate classification (germline): Likely benign. Review status: criteria provided, multiple submitters, no conflicts (2 of 4 stars). 4 submissions from 4 submitters: Likely benign (4). Last evaluated 2026-01-26.

Conditions:
Inborn genetic diseases. Identifiers: MedGen C0950123, MeSH D030342.
Wilms tumor 1 (WT1). Also called: Wilms tumor, somatic. Identifiers: Orphanet 654, MedGen CN033288, MONDO:0008679, OMIM 194070.
Drash syndrome (DDS). Also called: WILMS TUMOR AND PSEUDO- OR TRUE HERMAPHRODITISM; NEPHROPATHY, WILMS TUMOR, AND GENITAL ANOMALIES. Identifiers: Orphanet 220, MedGen C0950121, MONDO:0008682, OMIM 194080.
Frasier syndrome. Identifiers: Orphanet 347, MedGen C0950122, MeSH D052159, MONDO:0007635, OMIM 136680.
11p partial monosomy syndrome (WAGR). Also called: WAGR Spectrum Disorder; CHROMOSOME 11p13 DELETION SYNDROME; WAGR syndrome; WAGR Complex. Identifiers: Orphanet 893, MedGen C0206115, MONDO:0008681, OMIM 194072.

Allele frequency attached by ClinVar (database versions not stated): ExAC 0.00001; gnomAD exomes 0.00002; gnomAD 0.00003 and 0.00004; TOPMed 0.00003.
gnomAD v4.1: 32 of 1,602,700 alleles (0.002%); highest among the groups gnomAD compares: South Asian, 0.026%; no homozygotes.

Submissions (4):

Labcorp Genetics (formerly Invitae), Labcorp
Classification: Likely benign for Wilms tumor 1; Drash syndrome; 11p partial monosomy syndrome; Frasier syndrome. Last evaluated: 2026-01-26. Review status: criteria provided, single submitter. Criteria: Invitae Variant Classification Sherloc (09022015). Collection method: clinical testing. Allele origin: germline.

Ambry Genetics
Classification: Likely benign for Inborn genetic diseases. Last evaluated: 2024-08-21. Review status: criteria provided, single submitter. Criteria: Ambry Variant Classification Scheme 2023. Collection method: clinical testing. Allele origin: germline.

All of Us Research Program, National Institutes of Health
Classification: Likely benign for Wilms tumor 1. Last evaluated: 2023-12-18. Review status: criteria provided, single submitter. Criteria: ACMG Guidelines, 2015. Collection method: clinical testing. Allele origin: germline. Inheritance: Autosomal dominant inheritance. Observed: 4 variant alleles, 4 heterozygotes.
Comment: This study involves interpretation of variants in research participants for the purpose of population health screening. Participant phenotype was not available at the time of variant classification. Additional details can be found in publication PMID: 35346344, PMCID: PMC8962531

Blueprint Genetics
Classification: Likely benign. Last evaluated: 2022-08-09. Review status: criteria provided, single submitter. Criteria: ACMG Guidelines, 2015. Collection method: clinical testing. Allele origin: germline.